The following is an entry in ClinVar:

ClinVar aggregate classification (germline): Uncertain significance (1 of 4 stars; one submission).

Submission:

Labcorp Genetics (formerly Invitae), Labcorp
Classification: Uncertain significance. Last evaluated: 2025-09-26. Review status: criteria provided, single submitter. Criteria: Invitae Variant Classification Sherloc (09022015). Collection method: clinical testing. Allele origin: germline.
Comment: This sequence change replaces methionine, which is neutral and non-polar, with threonine, which is neutral and polar, at codon 152 of the TUBB1 protein (p.Met152Thr). This variant is not present in population databases (gnomAD no frequency). This variant has not been reported in the literature in individuals affected with TUBB1-related conditions. Invitae Evidence Modeling of protein sequence and biophysical properties (such as structural, functional, and spatial information, amino acid conservation, physicochemical variation, residue mobility, and thermodynamic stability) indicates that this missense variant is not expected to disrupt TUBB1 protein function with a negative predictive value of 80%. In summary, the available evidence is currently insufficient to determine the role of this variant in disease. Therefore, it has been classified as a Variant of Uncertain Significance.

NM_030773.4(TUBB1):c.455T>C (p.Met152Thr)

Gene: TUBB1 (tubulin beta 1 class VI; plus strand). Cytogenetic location: 20q13.32.
Variant type: single nucleotide variant.
Coding change: c.455T>C on transcript NM_030773.4 (MANE Select); coding-DNA position 455, T replaced by C.
Protein change: p.Met152Thr; replaces methionine 152 with threonine.
Molecular consequence: missense variant.
Genome position (GRCh38, 1-based): chr20:59,023,882, T>C. VCF-style: chr20-59023882-T-C. GRCh37 (hg19) VCF-style: chr20-57598937-T-C.
Other names: short protein forms M152T.
Identifiers: ClinVar variation 4773154 (VCV004773154.1).